The following is an entry in ClinVar:

ClinVar aggregate classification (germline): Likely benign (0 of 4 stars; one submission).

Conditions:
ARHGEF28-related disorder. Also called: ARHGEF28-related condition.

gnomAD v4.1: 6 of 1,611,308 alleles (0.00037%); highest among the groups gnomAD compares: African/African-American, 0.0067%; no homozygotes.

Submission:

PreventionGenetics, part of Exact Sciences
Classification: Likely benign for ARHGEF28-related condition. Last evaluated: 2023-09-06. Review status: no assertion criteria provided. Collection method: clinical testing. Allele origin: germline.
Comment: This variant is classified as likely benign based on ACMG/AMP sequence variant interpretation guidelines (Richards et al. 2015 PMID: 25741868, with internal and published modifications).

NM_001177693.2(ARHGEF28):c.2426-5A>G

Gene: ARHGEF28 (Rho guanine nucleotide exchange factor 28; plus strand). Cytogenetic location: 5q13.2.
Variant type: single nucleotide variant.
Coding change: c.2426-5A>G on transcript NM_001177693.2 (MANE Select); 5 bases into the intron before coding-DNA position 2426, A replaced by G.
Molecular consequence: intron variant.
Genome position (GRCh38, 1-based): chr5:73,870,064, A>G. VCF-style: chr5-73870064-A-G. GRCh37 (hg19) VCF-style: chr5-73165889-A-G.
Other names: c.2426-5A>G (NM_001080479.3, NM_001388078.1); c.2132-5A>G (NM_001388076.1); c.1487-5A>G (NM_001244364.2).
Identifiers: ClinVar variation 3355456 (VCV003355456.1).